The following is an entry in ClinVar:

ClinVar aggregate classification (germline): Uncertain significance (1 of 4 stars; one submission).

Conditions:
Hereditary cancer-predisposing syndrome. Also called: Neoplastic Syndromes, Hereditary; Hereditary Cancer Syndrome; Hereditary neoplastic syndrome; Tumor predisposition. Identifiers: Orphanet 140162, MedGen C0027672, MeSH D009386, MONDO:0015356.

Allele frequency attached by ClinVar (database versions not stated): gnomAD exomes below 0.00001.
gnomAD v4.1: 1 of 1,614,186 alleles (0.000062%); highest among the groups gnomAD compares: Non-Finnish European, 0.000085%; no homozygotes.

Submission:

Ambry Genetics
Classification: Uncertain significance for Hereditary cancer-predisposing syndrome. Last evaluated: 2023-06-06. Review status: criteria provided, single submitter. Criteria: Ambry Variant Classification Scheme 2023. Collection method: clinical testing. Allele origin: germline.
Comment: The p.I372M variant (also known as c.1116C>G), located in coding exon 7 of the MEN1 gene, results from a C to G substitution at nucleotide position 1116. The isoleucine at codon 372 is replaced by methionine, an amino acid with highly similar properties. This alteration was identified in an individual with a clinical diagnosis of multiple endocrine neoplasia type 1 (MEN1) (Wautot V et al. Hum Mutat, 2002 Jul;20:35-47). This amino acid position is well conserved in available vertebrate species. In addition, this alteration is predicted to be deleterious by in silico analysis. Since supporting evidence is limited at this time, the clinical significance of this alteration remains unclear.

Literature cited by the submitters: PubMed 12112656.

NM_001370259.2(MEN1):c.1116C>G (p.Ile372Met)

Gene: MEN1 (menin 1; minus strand). Cytogenetic location: 11q13.1.
Variant type: single nucleotide variant.
Coding change: c.1116C>G on transcript NM_001370259.2 (MANE Select); coding-DNA position 1116, C replaced by G.
Protein change: p.Ile372Met; replaces isoleucine 372 with methionine.
Molecular consequence: missense variant. On other transcripts: non-coding transcript variant (4).
Genome position (GRCh38, 1-based): chr11:64,805,704, G>C on the plus strand (C>G on the coding strand, the complement: MEN1 is on the minus strand). VCF-style: chr11-64805704-G-C. GRCh37 (hg19) VCF-style: chr11-64573176-G-C.
Other names: c.1131C>G, p.Ile377Met (NM_000244.4, NM_001407145.1, NM_130800.3 and 4 more transcripts); c.1242C>G, p.Ile414Met (NM_001370251.2, NM_001407142.1, NM_001407143.1 and 1 more transcripts); c.1116C>G, p.Ile372Met (NM_001370260.2, NM_001370261.2, NM_001407146.1 and 3 more transcripts); c.1011C>G, p.Ile337Met (NM_001370262.2, NM_001370263.2, NM_001407148.1 and 1 more transcripts); c.1257C>G, p.Ile419Met (NM_001407150.1); c.1137C>G, p.Ile379Met (NM_001407151.1); short protein forms I379M, I337M, I419M, I414M, I372M, I377M.
Identifiers: ClinVar variation 2562000 (VCV002562000.2), dbSNP rs2136109903, ClinGen allele CA381182491.
Genomic context (GRCh38, chr11:64,805,704, plus strand): 5'-CTCCCCCGGCCGCTCCTCGCCCGCCTCCAGCAAGCTGGCTGCCTCCTTCAGCAGGTTGGG[G>C]ATGACATCATTGGCTACTTCAAAGAACTCCTTGTAGATCTCCTCGTCTTCCCGGCAGTAG-3'
Protein context (NP_001357188.2, residues 362-382): KEFFEVANDV[Ile372Met]PNLLKEAASL